The following is an entry in ClinVar:

NM_000238.4(KCNH2):c.1815del (p.Ser606fs)

Gene: KCNH2 (potassium voltage-gated channel subfamily H member 2; minus strand). Cytogenetic location: 7q36.1.
Variant type: Deletion.
Coding change: c.1815del on transcript NM_000238.4 (MANE Select); coding-DNA position 1815, one base deleted (C; older notation c.1815delC).
Protein change: p.Ser606fs; shifts the reading frame from serine 606.
Molecular consequence: frameshift variant.
Genome position (GRCh38, 1-based): chr7:150,951,578, G deleted on the plus strand (C on the coding strand, the reverse complement: KCNH2 is on the minus strand); the first of 4 consecutive G bases (chr7:150,951,578-150,951,581); deleting any one gives the same sequence. VCF-style (leftmost placement, unchanged base first): chr7-150951577-AG-A. GRCh37 (hg19) VCF-style: chr7-150648665-AG-A.
Other names: c.795del, p.Ser266fs (NM_001204798.2, NM_172057.3); c.1524delC, p.Ser510Profs (NM_001406753.1, NM_001406756.1); c.1635delC, p.Ser547Profs (NM_001406755.1); c.1512delC, p.Ser506Profs (NM_001406757.1); c.1812delC, p.Ser606Profs (NM_172056.3); short protein forms S266fs, S606fs.
Identifiers: ClinVar variation 200789 (VCV000200789.4), dbSNP rs794728499, ClinGen allele CA005579.
Genomic context (GRCh38, chr7:150,951,577, plus strand): 5'-CCACACTGGTGAGGCTGCTGAAGGTGAAGTAGAGCGCCGTCACATACTTGTCCTTGATGG[AG>A]GGGCCGCCCAGGCCGCTGCTGTTGTAGGGTTTGCCTATCTGGTCGCCCAGGTTGTGCAGC-3'

ClinVar aggregate classification (germline): Pathogenic (1 of 4 stars; one submission).

Conditions:
Cardiac arrhythmia. Also called: Arrhythmia; Cardiac rhythm disease. Identifiers: MedGen C0003811, MONDO:0007263, HP:0011675.

Submission:

GeneDx
Classification: Pathogenic for Cardiac arrhythmia. Last evaluated: 2012-01-24. Review status: criteria provided, single submitter. Criteria: GeneDx Variant Classification (06012015). Collection method: clinical testing. Allele origin: germline. Affected: yes.
Comment: The c.1815delC mutation in the KCNH2 gene has not been reported previously, this mutation causes a shift in reading frame starting at codon Serine 606, changing it to a Proline, and creates a premature stop codon at position 7 of the new reading frame, denoted p.S606PfsX7. This mutation is expected to result in an abnormal, truncated protein from this alleles due to mRNA decay. Other frameshift mutations in the KCNH2 gene have been reported in association with LQTS. The variant is found in LQT panel(s).